The following is an entry in ClinVar:

ClinVar aggregate classification (germline): Pathogenic/Likely pathogenic. Review status: criteria provided, multiple submitters, no conflicts (2 of 4 stars). 7 submissions from 7 submitters: Pathogenic (5); Likely pathogenic (2). Last evaluated 2026-03-18.

Conditions:
Hypophosphatasia. Also called: Phosphoethanol-aminuria. Identifiers: Orphanet 436, MedGen C0020630, MeSH D007014, MONDO:0018570.
Infantile hypophosphatasia. Identifiers: Orphanet 247651, Orphanet 436, MedGen C0268412, MONDO:1010169, OMIM 241500, MONDO:0009427.
Adult hypophosphatasia. Identifiers: Orphanet 247676, Orphanet 436, MedGen C0268413, MONDO:1010154, OMIM 146300, MONDO:0007798.
ALPL-related disorder. Also called: ALPL-related disorders; ALPL-related condition.

Allele frequency attached by ClinVar (database versions not stated): TOPMed 0.00001; ExAC 0.00002; gnomAD exomes 0.00002.
gnomAD v4.1: 28 of 1,613,628 alleles (0.0017%); highest among the groups gnomAD compares: Non-Finnish European, 0.0024%; no homozygotes.

Submissions (7):

Women's Health and Genetics/Laboratory Corporation of America, LabCorp
Classification: Pathogenic for Hypophosphatasia. Last evaluated: 2026-03-18. Review status: criteria provided, single submitter. Criteria: LabCorp Variant Classification Summary - May 2015. Collection method: clinical testing. Allele origin: germline.
Comment: Variant summary: ALPL c.303C>A (p.Tyr101X) results in a premature termination codon, predicted to cause a truncation of the encoded protein or absence of the protein due to nonsense mediated decay, which are commonly known mechanisms for disease. The variant allele was found at a frequency of 1.6e-05 in 250734 control chromosomes. c.303C>A has been observed in compound heterozygous and heterozygous individual(s) affected with Hypophosphatasia (e.g. Glotov_2022, Alonso_2020). These data indicate that the variant is likely to be associated with disease. To our knowledge, no experimental evidence demonstrating an impact on protein function has been reported. The following publications have been ascertained in the context of this evaluation (PMID: 31793067, 36361766). ClinVar contains an entry for this variant (Variation ID: 1076087). Based on the evidence outlined above, the variant was classified as pathogenic for Autosomal Recessive Hypophosphatasia and Autosomal Dominant Hypophosphatasia.

Labcorp Genetics (formerly Invitae), Labcorp
Classification: Pathogenic. Last evaluated: 2025-09-23. Review status: criteria provided, single submitter. Criteria: Invitae Variant Classification Sherloc (09022015). Collection method: clinical testing. Allele origin: germline.
Comment: This sequence change creates a premature translational stop signal (p.Tyr101*) in the ALPL gene. It is expected to result in an absent or disrupted protein product. Loss-of-function variants in ALPL are known to be pathogenic (PMID: 3174660, 10679946, 32973344, 33814268). This variant is present in population databases (rs746273959, gnomAD 0.004%). This variant has not been reported in the literature in individuals affected with ALPL-related conditions. ClinVar contains an entry for this variant (Variation ID: 1076087). For these reasons, this variant has been classified as Pathogenic.

Genomenon, Inc
Classification: Pathogenic for Hypophosphatasia. Last evaluated: 2025-08-29. Review status: criteria provided, single submitter. Criteria: Genomenon Sequence Variant Interpretation Standards. Collection method: curation. Allele origin: germline. Affected: yes.
Comment: ALPL p.Tyr101Ter (c.303C>A) is a nonsense variant that introduces a premature stop codon at amino acid position 101, creating a truncated protein that is predicted to undergo nonsense-mediated mRNA decay. This variant has been observed in at least one proband affected with hypophosphatasia (PMID:36361766;38884565;31793067;38283708). It is absent or not present at a significant frequency in gnomAD. In conclusion, we classify ALPL p.Tyr101Ter (c.303C>A) as a pathogenic variant.

Natera, Inc.
Classification: Pathogenic for Hypophosphatasia. Last evaluated: 2025-03-06. Review status: criteria provided, single submitter. Criteria: Natera Variant Classification Schema (03/2026). Collection method: clinical testing. Allele origin: germline.
Comment: The c.303C>A variant in ALPL is a nonsense variant predicted to introduce a stop codon at amino acid 101. This variant is expected to result in nonsense mediated decay, truncation, or a dysfunctional protein product. This variant is rare in the general population with a frequency below the threshold expected for the associated phenotype(s). This variant has been observed in one or more individuals affected with the associated recessive disease, as either homozygous or compound heterozygous with a second variant (PMID: 36361766). Given the available evidence, this variant is classified as Pathogenic.

Baylor Genetics
Classification: Pathogenic for Adult hypophosphatasia. Last evaluated: 2023-05-03. Review status: criteria provided, single submitter. Criteria: ACMG Guidelines, 2015. Collection method: clinical testing. Allele origin: unknown.

Blueprint Genetics
Classification: Likely pathogenic for ALPL-related disorders. Last evaluated: 2022-10-12. Review status: criteria provided, single submitter. Criteria: ACMG Guidelines, 2015. Collection method: clinical testing. Allele origin: germline. Affected: yes. Observed: 3 variant alleles.

Laboratory for Molecular Medicine, Mass General Brigham Personalized Medicine
Classification: Likely pathogenic for Infantile hypophosphatasia. Last evaluated: 2020-06-11. Review status: criteria provided, single submitter. Criteria: LMM Criteria. Collection method: clinical testing. Allele origin: germline. Inheritance: Autosomal recessive inheritance. Observed: 1 variant allele.
Comment: The p.Tyr101X variant in ALPL has been reported in the heterozygous state in 1 individual with osteoporosis and low circulating concentrations of alkaline phosphatase (AP; Alonso 2019 PMID: 31793067). It has also been identified in 0.004% (4/113178) of European chromosomes by gnomAD. This nonsense variant leads to a premature termination codon at position 101, which is predicted to lead to a truncated or absent protein. While hypophosphatasia can be inherited in an autosomal dominant or autosomal recessive manner, loss-of-function variants like the p.Tyr101X variant are primarily associated with recessive inheritance. Although individuals harboring heterozygous loss-of-function variants may have low serum AP levels, they are typically asymptomatic. In summary, although additional studies are required to fully establish its clinical significance, this variant meets criteria to be classified as likely pathogenic for autosomal recessive hypophosphatasia. ACMG/AMP Criteria applied: PVS1, PM2.

Literature cited by the submitters: PubMed 31793067 (cited by 3 submitters); PubMed 36361766 (cited by 3 submitters); PubMed 3174660 (cited by Labcorp Genetics (formerly Invitae), Labcorp); PubMed 10679946 (cited by Labcorp Genetics (formerly Invitae), Labcorp); PubMed 32973344 (cited by Labcorp Genetics (formerly Invitae), Labcorp); PubMed 33814268 (cited by Labcorp Genetics (formerly Invitae), Labcorp); PubMed 38884565 (cited by Genomenon, Inc); PubMed 38283708 (cited by Genomenon, Inc).

NM_000478.6(ALPL):c.303C>A (p.Tyr101Ter)

Gene: ALPL (alkaline phosphatase, biomineralization associated; plus strand). Cytogenetic location: 1p36.12.
Variant type: single nucleotide variant.
Coding change: c.303C>A on transcript NM_000478.6 (MANE Select); coding-DNA position 303, C replaced by A.
Protein change: p.Tyr101Ter; replaces tyrosine 101 with a stop codon.
Molecular consequence: nonsense.
Genome position (GRCh38, 1-based): chr1:21,563,115, C>A. VCF-style: chr1-21563115-C-A. GRCh37 (hg19) VCF-style: chr1-21889608-C-A.
Other names: c.303C>A (NM_000478.5); c.138C>A, p.Tyr46Ter (NM_001127501.4); c.72C>A, p.Tyr24Ter (NM_001177520.3); c.303C>A, p.Tyr101Ter (NM_001369803.2, NM_001369804.2, NM_001369805.2); short protein forms Y101*, Y24*, Y46*.
Identifiers: ClinVar variation 1076087 (VCV001076087.16), dbSNP rs746273959, ClinGen allele CA666458.